The following is an entry in ClinVar:

NM_004994.3(MMP9):c.680G>A (p.Gly227Asp)

Gene: MMP9 (matrix metallopeptidase 9; plus strand). Cytogenetic location: 20q13.12.
Variant type: single nucleotide variant.
Coding change: c.680G>A on transcript NM_004994.3 (MANE Select); coding-DNA position 680, G replaced by A.
Protein change: p.Gly227Asp; replaces glycine 227 with aspartic acid.
Molecular consequence: missense variant.
Genome position (GRCh38, 1-based): chr20:46,011,173, G>A. VCF-style: chr20-46011173-G-A. GRCh37 (hg19) VCF-style: chr20-44639812-G-A.
Other names: c.680G>A (NM_004994.2); short protein forms G227D.
Identifiers: ClinVar variation 2164220 (VCV002164220.5), dbSNP rs750969696, ClinGen allele CA9886484.

ClinVar aggregate classification (germline): Uncertain significance. Review status: criteria provided, multiple submitters, no conflicts (2 of 4 stars). 2 submissions from 2 submitters: Uncertain significance (2). Last evaluated 2024-01-19.

Allele frequency attached by ClinVar (database versions not stated): ExAC 0.00001; gnomAD 0.00001; gnomAD exomes 0.00001; TOPMed 0.00002.
gnomAD v4.1: 6 of 1,614,006 alleles (0.00037%); highest among the groups gnomAD compares: Admixed American, 0.0083%; no homozygotes.

Submissions (2):

Ambry Genetics
Classification: Uncertain significance. Last evaluated: 2024-01-19. Review status: criteria provided, single submitter. Criteria: Ambry Variant Classification Scheme 2023. Collection method: clinical testing. Allele origin: germline.

Labcorp Genetics (formerly Invitae), Labcorp
Classification: Uncertain significance. Last evaluated: 2022-03-27. Review status: criteria provided, single submitter. Criteria: Invitae Variant Classification Sherloc (09022015). Collection method: clinical testing. Allele origin: germline.
Comment: In summary, the available evidence is currently insufficient to determine the role of this variant in disease. Therefore, it has been classified as a Variant of Uncertain Significance. Algorithms developed to predict the effect of missense changes on protein structure and function are either unavailable or do not agree on the potential impact of this missense change (SIFT: "Tolerated"; PolyPhen-2: "Probably Damaging"; Align-GVGD: "Class C0"). This variant has not been reported in the literature in individuals affected with MMP9-related conditions. This variant is present in population databases (rs750969696, gnomAD 0.01%). This sequence change replaces glycine, which is neutral and non-polar, with aspartic acid, which is acidic and polar, at codon 227 of the MMP9 protein (p.Gly227Asp).